The following is an entry in ClinVar:

NM_001267550.2(TTN):c.62533_62534insGTTGGAAGTTA (p.Thr20845fs)

Genes: TTN (titin; minus strand), TTN-AS1 (TTN antisense RNA 1; plus strand). Cytogenetic location: 2q31.2.
Variant type: Insertion.
Coding change: c.62533_62534insGTTGGAAGTTA on transcript NM_001267550.2 (MANE Select); coding-DNA positions 62533 to 62534, GTTGGAAGTTA inserted.
Protein change: p.Thr20845fs; shifts the reading frame from threonine 20845.
Molecular consequence: frameshift variant.
Genome position: GRCh38 VCF-style: chr2-178589191-G-GTAACTTCCAAC. GRCh37 (hg19) VCF-style: chr2-179453918-G-GTAACTTCCAAC.
Other names: c.57610_57611insGTTGGAAGTTA, p.Thr19204fs (NM_001256850.1); c.35338_35339insGTTGGAAGTTA, p.Thr11780fs (NM_003319.4); c.54829_54830insGTTGGAAGTTA, p.Thr18277fs (NM_133378.4); c.35713_35714insGTTGGAAGTTA, p.Thr11905fs (NM_133432.3); c.35914_35915insGTTGGAAGTTA, p.Thr11972fs (NM_133437.4); short protein forms T11972fs, T18277fs, T11780fs, T19204fs, T20845fs, T11905fs.
Identifiers: ClinVar variation 2022408 (VCV002022408.4), dbSNP rs2469382035, ClinGen allele CA2580064848.
Genomic context (GRCh38, chr2:178,589,191, plus strand): 5'-GGCTTATCTAAAACATTGACAGTGGCATAGGCCACAAAACTGCCAGCCGTGTTAGTTGCC[G>GTAACTTCCAAC]TAACTACATATTTACCCCCATCACTTCGCTTTGCTTTAGTAAGAGAAAATTTAGATGAAT-3'

ClinVar aggregate classification (germline): Likely pathogenic (1 of 4 stars; one submission).

Conditions:
Autosomal recessive limb-girdle muscular dystrophy type 2J (LGMDR10). Also called: Limb-girdle muscular dystrophy, type 2J; MUSCULAR DYSTROPHY, LIMB-GIRDLE, AUTOSOMAL RECESSIVE 10. Identifiers: Orphanet 140922, MedGen C1837342, MONDO:0012127, OMIM 608807.
Dilated cardiomyopathy 1G (CMD1G). Identifiers: Orphanet 154, MedGen C1858763, MONDO:0011400, OMIM 604145.

Submission:

Labcorp Genetics (formerly Invitae), Labcorp
Classification: Likely pathogenic for Dilated cardiomyopathy 1G; Autosomal recessive limb-girdle muscular dystrophy type 2J. Last evaluated: 2022-09-23. Review status: criteria provided, single submitter. Criteria: Invitae Variant Classification Sherloc (09022015). Collection method: clinical testing. Allele origin: germline.
Comment: This sequence change creates a premature translational stop signal (p.Thr20845Serfs*22) in the TTN gene. While this is not anticipated to result in nonsense mediated decay, it is expected to create a truncated TTN protein. This variant is not present in population databases (gnomAD no frequency). This variant has not been reported in the literature in individuals affected with TTN-related conditions. This variant is located in the A band of TTN (PMID: 25589632). Truncating variants in this region are significantly overrepresented in patients affected with dilated cardiomyopathy (PMID: 25589632). Truncating variants in this region have also been reported in individuals affected with autosomal recessive centronuclear myopathy (PMID: 23975875). In summary, the currently available evidence indicates that the variant is pathogenic, but additional data are needed to prove that conclusively. Therefore, this variant has been classified as Likely Pathogenic.

Literature cited by the submitters: PubMed 25589632; PubMed 23975875.